The following is an entry in ClinVar:

NM_001378778.1(MPDZ):c.2230C>T (p.Arg744Ter)

Gene: MPDZ (multiple PDZ domain crumbs cell polarity complex component; minus strand). Cytogenetic location: 9p23.
Variant type: single nucleotide variant.
Coding change: c.2230C>T on transcript NM_001378778.1 (MANE Select); coding-DNA position 2230, C replaced by T.
Protein change: p.Arg744Ter; replaces arginine 744 with a stop codon.
Molecular consequence: nonsense.
Genome position (GRCh38, 1-based): chr9:13,188,918, G>A on the plus strand (C>T on the coding strand, the complement: MPDZ is on the minus strand). VCF-style: chr9-13188918-G-A. GRCh37 (hg19) VCF-style: chr9-13188917-G-A.
Other names: c.2230C>T, p.Arg744Ter (NM_001261406.2, NM_001261407.2, NM_001330637.2 and 14 more transcripts); short protein forms R744*.
Identifiers: ClinVar variation 548148 (VCV000548148.3), dbSNP rs922703465, ClinGen allele CA189283567.

ClinVar aggregate classification (germline): Pathogenic. Review status: criteria provided, single submitter (1 of 4 stars). 2 submissions from 2 submitters: Pathogenic (1). 1 of the submissions does not count toward it. Last evaluated 2025-05-21.

Conditions:
Hydrocephalus, nonsyndromic, autosomal recessive 2. Also called: Hydrocephalus, congenital, 2, with or without brain or eye anomalies. Identifiers: Orphanet 2185, MedGen C3554691, MONDO:0014085, OMIM 615219.

Allele frequency attached by ClinVar (database versions not stated): TOPMed below 0.00001; gnomAD exomes 0.00001.
gnomAD v4.1: 12 of 1,613,414 alleles (0.00074%); highest among the groups gnomAD compares: Non-Finnish European, 0.001%; no homozygotes.

Submissions (2):

Labcorp Genetics (formerly Invitae), Labcorp
Classification: Pathogenic. Last evaluated: 2025-05-21. Review status: criteria provided, single submitter. Criteria: Invitae Variant Classification Sherloc (09022015). Collection method: clinical testing. Allele origin: germline.
Comment: This sequence change creates a premature translational stop signal (p.Arg744*) in the MPDZ gene. It is expected to result in an absent or disrupted protein product. Loss-of-function variants in MPDZ are known to be pathogenic (PMID: 23240096, 28556411). This variant is not present in population databases (gnomAD no frequency). This premature translational stop signal has been observed in individual(s) with clinical features of MPDZ-related disorders (PMID: 28556411). ClinVar contains an entry for this variant (Variation ID: 548148). For these reasons, this variant has been classified as Pathogenic.

OMIM
Classification: Pathogenic for HYDROCEPHALUS, CONGENITAL, 2, WITH BRAIN AND EYE ANOMALIES. Last evaluated: 2018-07-10. Review status: no assertion criteria provided. Collection method: literature only. Allele origin: germline. Not counted in ClinVar's aggregate classification.

Literature cited by the submitters: PubMed 23240096 (cited by Labcorp Genetics (formerly Invitae), Labcorp); PubMed 28556411 (cited by Labcorp Genetics (formerly Invitae), Labcorp and OMIM).